The following is an entry in ClinVar:

ClinVar aggregate classification (germline): Conflicting classifications of pathogenicity. Review status: criteria provided, conflicting classifications (1 of 4 stars). 5 submissions from 5 submitters: Uncertain significance (1); Benign (1); Likely benign (2). 1 of the submissions does not count toward it. Last evaluated 2026-01-26.

Conditions:
Fructose-biphosphatase deficiency (FBP1D). Also called: Fructose-1,6-Bisphosphatase 1 Deficiency; Fructose 1,6 Bisphosphatase Deficiency; Fructose-1,6-Diphosphatase Deficiency. Identifiers: Orphanet 348, MedGen C0016756, MONDO:0009251, OMIM 229700.
FBP1-related disorder. Also called: FBP1-related condition.

Allele frequency attached by ClinVar (database versions not stated): gnomAD 0.00026 and 0.00056; TOPMed 0.00032; ESP Exome Variant Server 0.00038; gnomAD exomes 0.00138; ExAC 0.00155; 1000 Genomes Project 30x 0.00203; 1000 Genomes Project 0.00220.
gnomAD v4.1: 1,148 of 1,614,054 alleles (0.071%); highest among the groups gnomAD compares: South Asian, 0.92%; 9 homozygotes.

Submissions (5):

Labcorp Genetics (formerly Invitae), Labcorp
Classification: Benign for Fructose-biphosphatase deficiency. Last evaluated: 2026-01-26. Review status: criteria provided, single submitter. Criteria: Invitae Variant Classification Sherloc (09022015). Collection method: clinical testing. Allele origin: germline.

CeGaT Center for Human Genetics Tuebingen
Classification: Likely benign. Last evaluated: 2025-01-01. Review status: criteria provided, single submitter. Criteria: CeGaT Center For Human Genetics Tuebingen Variant Classification Criteria Version 2. Collection method: clinical testing. Allele origin: germline. Affected: yes. Observed: 1 variant allele.
Comment: FBP1: BP4, BP7

GeneDx
Classification: Likely benign. Last evaluated: 2018-04-12. Review status: criteria provided, single submitter. Criteria: GeneDx Variant Classification Process June 2021. Collection method: clinical testing. Allele origin: germline. Affected: yes.

Illumina Laboratory Services, Illumina
Classification: Uncertain significance for Fructose-biphosphatase deficiency. Last evaluated: 2018-01-13. Review status: criteria provided, single submitter. Criteria: ICSL Variant Classification Criteria 13 December 2019. Collection method: clinical testing. Allele origin: germline.

PreventionGenetics, part of Exact Sciences
Classification: Likely benign for FBP1-related condition. Last evaluated: 2019-09-26. Review status: no assertion criteria provided. Collection method: clinical testing. Allele origin: germline. Not counted in ClinVar's aggregate classification.
Comment: This variant is classified as likely benign based on ACMG/AMP sequence variant interpretation guidelines (Richards et al. 2015 PMID: 25741868, with internal and published modifications).

NM_000507.4(FBP1):c.906C>T (p.Ala302=)

Gene: FBP1 (fructose-bisphosphatase 1; minus strand). Cytogenetic location: 9q22.32.
Variant type: single nucleotide variant.
Coding change: c.906C>T on transcript NM_000507.4 (MANE Select); coding-DNA position 906, C replaced by T.
Protein change: p.Ala302=; no amino-acid change (alanine 302 retained).
Molecular consequence: synonymous variant.
Genome position (GRCh38, 1-based): chr9:94,603,492, G>A on the plus strand (C>T on the coding strand, the complement: FBP1 is on the minus strand). VCF-style: chr9-94603492-G-A. GRCh37 (hg19) VCF-style: chr9-97365774-G-A.
Other names: c.906C>T, p.Ala302= (NM_001127628.2).
Identifiers: ClinVar variation 377876 (VCV000377876.32), dbSNP rs28369776, ClinGen allele CA5136078.